The following is an entry in ClinVar:

NM_006180.6(NTRK2):c.1928A>G (p.Lys643Arg)

Gene: NTRK2 (neurotrophic receptor tyrosine kinase 2; plus strand). Cytogenetic location: 9q21.33.
Variant type: single nucleotide variant.
Coding change: c.1928A>G on transcript NM_006180.6 (MANE Select); coding-DNA position 1928, A replaced by G.
Protein change: p.Lys643Arg; replaces lysine 643 with arginine.
Molecular consequence: missense variant.
Genome position (GRCh38, 1-based): chr9:84,948,625, A>G. VCF-style: chr9-84948625-A-G. GRCh37 (hg19) VCF-style: chr9-87563540-A-G.
Other names: c.1880A>G, p.Lys627Arg (NM_001018064.3, NM_001369532.1, NM_001369533.1); c.1844A>G, p.Lys615Arg (NM_001369534.1); c.1412A>G, p.Lys471Arg (NM_001369535.1); c.1460A>G, p.Lys487Arg (NM_001369536.1); c.1928A>G, p.Lys643Arg (NM_001381928.1); short protein forms K627R, K471R, K487R, K643R, K615R.
Identifiers: ClinVar variation 2787345 (VCV002787345.3), dbSNP rs2132887057, ClinGen allele CA374009847.

ClinVar aggregate classification (germline): Uncertain significance (1 of 4 stars; one submission).

Allele frequency attached by ClinVar (database versions not stated): gnomAD exomes below 0.00001.
gnomAD v4.1: 5 of 1,614,134 alleles (0.00031%); highest among the groups gnomAD compares: Admixed American, 0.0017%; no homozygotes.

Submission:

Labcorp Genetics (formerly Invitae), Labcorp
Classification: Uncertain significance. Last evaluated: 2023-07-18. Review status: criteria provided, single submitter. Criteria: Invitae Variant Classification Sherloc (09022015). Collection method: clinical testing. Allele origin: germline.
Comment: In summary, the available evidence is currently insufficient to determine the role of this variant in disease. Therefore, it has been classified as a Variant of Uncertain Significance. Advanced modeling of protein sequence and biophysical properties (such as structural, functional, and spatial information, amino acid conservation, physicochemical variation, residue mobility, and thermodynamic stability) performed at Invitae indicates that this missense variant is not expected to disrupt NTRK2 protein function. This variant has not been reported in the literature in individuals affected with NTRK2-related conditions. This variant is not present in population databases (gnomAD no frequency). This sequence change replaces lysine, which is basic and polar, with arginine, which is basic and polar, at codon 643 of the NTRK2 protein (p.Lys643Arg).